The following is an entry in ClinVar:

NM_005411.5(SFTPA1):c.185_186inv (p.Pro62Leu)

Gene: SFTPA1 (surfactant protein A1; plus strand). Cytogenetic location: 10q22.3.
Variant type: Inversion.
Coding change: c.185_186inv on transcript NM_005411.5 (MANE Select).
Protein change: p.Pro62Leu; replaces proline 62 with leucine.
Molecular consequence: missense variant. On other transcripts: intron variant (2).
Genome position: GRCh38 VCF-style: chr10-79612324-CA-TG. GRCh37 (hg19) VCF-style: chr10-81372080-CA-TG.
Other names: c.230_231inv, p.Pro77Leu (NM_001093770.3); c.185_186inv, p.Pro62Leu (NM_001164644.2, NM_001164647.1); c.86-48_86-47inv (NM_001164646.2); c.131-48_131-47inv (NM_001164645.2); short protein forms P77L, P62L.
Identifiers: ClinVar variation 4997929 (VCV004997929.1).
Genomic context (GRCh38, chr10:79,612,324, plus strand): 5'-CAGTTGTGGGTGACAGATCCTACACATCCATGTCTCTTTTCTCTGCAGGCCCCATGGGTC[CA>TG]CCTGGAGAAATGCCATGTCCTCCTGGAAATGATGGGCTGCCTGGAGCCCCTGGTATCCCT-3'
Protein context (NP_005402.3, residues 52-72): GDPGPPGPMG[Pro62Leu]PGEMPCPPGN

ClinVar aggregate classification (germline): Uncertain significance (1 of 4 stars; one submission).

Conditions:
SFTPA1-related disorder. Also called: SFTPA1-related condition.

Submission:

PreventionGenetics, part of Exact Sciences
Classification: Uncertain significance for SFTPA1-related condition. Last evaluated: 2024-10-10. Review status: criteria provided, single submitter. Criteria: ACMG Guidelines, 2015. Collection method: clinical testing. Allele origin: germline.
Comment: The SFTPA1 c.185_186delinsTG variant is predicted to result in an in-frame deletion and insertion. To our knowledge, this variant has not been reported in the literature or in a large population database, indicating this variant is rare. However alternative variant c.185C>T leading to the same amino acid change is observed in Non-Finnish European population with frequency 0.4%, which is higher than expected for pathogenic variant. Although we suspect that this variant may be benign, at this time, the clinical significance of this variant is uncertain due to the absence of conclusive functional and genetic evidence.